The following is an entry in ClinVar:

ClinVar aggregate classification (germline): Conflicting classifications of pathogenicity. Review status: criteria provided, conflicting classifications (1 of 4 stars). 2 submissions from 2 submitters: Uncertain significance (1); Likely benign (1). Last evaluated 2025-08-12.

Allele frequency attached by ClinVar (database versions not stated): gnomAD exomes 0.00014 and 0.00002; ExAC 0.00002; gnomAD 0.00007; TOPMed 0.00007.
gnomAD v4.1: 216 of 1,613,842 alleles (0.013%); highest among the groups gnomAD compares: Non-Finnish European, 0.017%; 1 homozygote.

Submissions (2):

Labcorp Genetics (formerly Invitae), Labcorp
Classification: Uncertain significance. Last evaluated: 2025-08-12. Review status: criteria provided, single submitter. Criteria: Invitae Variant Classification Sherloc (09022015). Collection method: clinical testing. Allele origin: germline.
Comment: This sequence change replaces proline, which is neutral and non-polar, with serine, which is neutral and polar, at codon 472 of the SON protein (p.Pro472Ser). This variant is present in population databases (rs767649909, gnomAD 0.005%). This variant has not been reported in the literature in individuals affected with SON-related conditions. ClinVar contains an entry for this variant (Variation ID: 1365769). An algorithm developed to predict the effect of missense changes on protein structure and function (PolyPhen-2) suggests that this variant is likely to be disruptive. In summary, the available evidence is currently insufficient to determine the role of this variant in disease. Therefore, it has been classified as a Variant of Uncertain Significance.

CeGaT Center for Human Genetics Tuebingen
Classification: Likely benign. Last evaluated: 2022-03-01. Review status: criteria provided, single submitter. Criteria: CeGaT Center For Human Genetics Tuebingen Variant Classification Criteria Version 2. Collection method: clinical testing. Allele origin: germline. Affected: yes. Observed: 1 variant allele.
Comment: SON: BP1, BS2

NM_138927.4(SON):c.1414C>T (p.Pro472Ser)

Gene: SON (SON DNA and RNA binding protein; plus strand). Cytogenetic location: 21q22.11.
Variant type: single nucleotide variant.
Coding change: c.1414C>T on transcript NM_138927.4 (MANE Select); coding-DNA position 1414, C replaced by T.
Protein change: p.Pro472Ser; replaces proline 472 with serine.
Molecular consequence: missense variant. On other transcripts: non-coding transcript variant (1), intron variant (1).
Genome position (GRCh38, 1-based): chr21:33,550,645, C>T. VCF-style: chr21-33550645-C-T. GRCh37 (hg19) VCF-style: chr21-34922951-C-T.
Other names: c.1414C>T, p.Pro472Ser (NM_001291411.2, NM_032195.3); c.244+4266C>T (NM_001291412.3); short protein forms P472S.
Identifiers: ClinVar variation 1365769 (VCV001365769.31), dbSNP rs767649909, ClinGen allele CA10008892.
Genomic context (GRCh38, chr21:33,550,645, plus strand): 5'-GAATTGCCAGGGCTTCCAGCACCATCCATGGGGTTGGAGCCACCACAGGAGGTACCAGAG[C>T]CACCTGTGATGGCACAGGAGTTGCCAGGGCTGCCTTTGGTGACAGCAGCAGTAGAGTTGC-3'
Protein context (NP_620305.3, residues 462-482): GLEPPQEVPE[Pro472Ser]PVMAQELPGL